The following is an entry in ClinVar:

NM_024301.5(FKRP):c.778G>T (p.Glu260Ter)

Gene: FKRP (fukutin related protein; plus strand). Cytogenetic location: 19q13.32.
Variant type: single nucleotide variant.
Coding change: c.778G>T on transcript NM_024301.5 (MANE Select); coding-DNA position 778, G replaced by T.
Protein change: p.Glu260Ter; replaces glutamic acid 260 with a stop codon.
Molecular consequence: nonsense.
Genome position (GRCh38, 1-based): chr19:46,756,228, G>T. VCF-style: chr19-46756228-G-T. GRCh37 (hg19) VCF-style: chr19-47259485-G-T.
Other names: c.778G>T, p.Glu260Ter (NM_001039885.3); short protein forms E260*.
Identifiers: ClinVar variation 554104 (VCV000554104.11), dbSNP rs1555738753, ClinGen allele CA406495998.

ClinVar aggregate classification (germline): Pathogenic/Likely pathogenic. Review status: criteria provided, multiple submitters, no conflicts (2 of 4 stars). 5 submissions from 5 submitters: Pathogenic (2); Likely pathogenic (2). 1 of the submissions does not count toward it. Last evaluated 2024-04-26.

Conditions:
Autosomal recessive limb-girdle muscular dystrophy type 2I. Also called: MUSCULAR DYSTROPHY-DYSTROGLYCANOPATHY (LIMB-GIRDLE), TYPE C, 5; MUSCULAR DYSTROPHY, LIMB-GIRDLE, TYPE 2I; MUSCULAR DYSTROPHY-DYSTROGLYCANOPATHY, LIMB-GIRDLE, FRKP-RELATED. Identifiers: Orphanet 34515, MedGen C1846672, MONDO:0011787, OMIM 607155.
Muscular dystrophy-dystroglycanopathy (congenital with brain and eye anomalies), type A5. Also called: WALKER-WARBURG SYNDROME OR MUSCLE-EYE-BRAIN DISEASE, FKRP-RELATED; MUSCULAR DYSTROPHY-DYSTROGLYCANOPATHY (CONGENITAL WITH BRAIN AND EYE ANOMALIES), TYPE A, 5. Identifiers: Orphanet 588, Orphanet 899, MedGen C3150413, MONDO:0013157, OMIM 613153.
Walker-Warburg congenital muscular dystrophy. Also called: Muscular dystrophy-dystroglycanopathy, type A; Walker-Warburg syndrome. Identifiers: Orphanet 899, MedGen C0265221, MONDO:0000171.
Muscular dystrophy-dystroglycanopathy (congenital with brain and eye anomalies), type A1 (MDDGA1). Also called: WALKER-WARBURG SYNDROME OR MUSCLE-EYE-BRAIN DISEASE, POMT1-RELATED; Hydrocephalus, agyria and retinal dysplasia; Hard +/- E syndrome; Warburg syndrome; Chemke syndrome; Pagon syndrome. Identifiers: Orphanet 588, Orphanet 899, MedGen C4284790, MONDO:0009364, OMIM 236670.
Muscular dystrophy-dystroglycanopathy type B5 (MDDGB5). Also called: MUSCULAR DYSTROPHY-DYSTROGLYCANOPATHY (CONGENITAL WITH OR WITHOUT IMPAIRED INTELLECTUAL DEVELOPMENT), TYPE B, 5; MUSCULAR DYSTROPHY, CONGENITAL, 1C; MUSCULAR DYSTROPHY, CONGENITAL, FKRP-RELATED. Identifiers: MedGen C1847759, MONDO:0011688, OMIM 606612.

gnomAD v4.1: 4 of 1,451,012 alleles (0.00028%); highest among the groups gnomAD compares: Middle Eastern, 0.02%; no homozygotes.

Submissions (5):

Natera, Inc.
Classification: Likely pathogenic for Limb-girdle muscular dystrophy type 2I. Last evaluated: 2024-04-26. Review status: criteria provided, single submitter. Criteria: Natera Variant Classification Schema (03/2026). Collection method: clinical testing. Allele origin: germline.
Comment: The c.778G>T variant in FKRP is a nonsense variant predicted to introduce a stop codon at amino acid 260. This variant is expected to result in nonsense mediated decay, truncation, or a dysfunctional protein product. This variant is rare in the general population with a frequency below the threshold expected for the associated phenotype(s). Given the available evidence, this variant is classified as Likely Pathogenic.

Baylor Genetics
Classification: Pathogenic for Muscular dystrophy-dystroglycanopathy (congenital with brain and eye anomalies), type A5. Last evaluated: 2023-04-05. Review status: criteria provided, single submitter. Criteria: ACMG Guidelines, 2015. Collection method: clinical testing. Allele origin: unknown.

Labcorp Genetics (formerly Invitae), Labcorp
Classification: Pathogenic for Walker-Warburg congenital muscular dystrophy. Last evaluated: 2022-02-05. Review status: criteria provided, single submitter. Criteria: Invitae Variant Classification Sherloc (09022015). Collection method: clinical testing. Allele origin: germline.
Comment: ClinVar contains an entry for this variant (Variation ID: 554104). This variant has not been reported in the literature in individuals affected with FKRP-related conditions. This variant is not present in population databases (gnomAD no frequency). This sequence change creates a premature translational stop signal (p.Glu260*) in the FKRP gene. While this is not anticipated to result in nonsense mediated decay, it is expected to disrupt the last 236 amino acid(s) of the FKRP protein. This variant disrupts a region of the FKRP protein in which other variant(s) (p.Leu452Cysfs*38) have been determined to be pathogenic (Invitae). This suggests that this is a clinically significant region of the protein, and that variants that disrupt it are likely to be disease-causing. For these reasons, this variant has been classified as Pathogenic.

Fulgent Genetics
Classification: Likely pathogenic for Muscular dystrophy-dystroglycanopathy (congenital with brain and eye anomalies), type A1; Muscular dystrophy-dystroglycanopathy type B5; Autosomal recessive limb-girdle muscular dystrophy type 2I; Muscular dystrophy-dystroglycanopathy (congenital with brain and eye anomalies), type A5. Last evaluated: 2021-11-22. Review status: criteria provided, single submitter. Criteria: ACMG Guidelines, 2015. Collection method: clinical testing. Allele origin: unknown.

Counsyl
Classification: Likely pathogenic for Autosomal recessive limb-girdle muscular dystrophy type 2I. Last evaluated: 2017-09-27. Review status: no assertion criteria provided. Collection method: clinical testing. Allele origin: unknown. Not counted in ClinVar's aggregate classification.